The following is an entry in ClinVar:

NM_001273.5(CHD4):c.3862C>T (p.Arg1288Trp)

Gene: CHD4 (chromodomain helicase DNA binding protein 4; minus strand). Cytogenetic location: 12p13.31.
Variant type: single nucleotide variant.
Coding change: c.3862C>T on transcript NM_001273.5 (MANE Select); coding-DNA position 3862, C replaced by T.
Protein change: p.Arg1288Trp; replaces arginine 1288 with tryptophan.
Molecular consequence: missense variant.
Genome position (GRCh38, 1-based): chr12:6,587,401, G>A on the plus strand (C>T on the coding strand, the complement: CHD4 is on the minus strand). VCF-style: chr12-6587401-G-A. GRCh37 (hg19) VCF-style: chr12-6696567-G-A.
Other names: c.3841C>T, p.Arg1281Trp (NM_001297553.2); c.3823C>T, p.Arg1275Trp (NM_001363606.2); c.3862C>T (NM_001273.2); short protein forms R1275W, R1281W, R1288W.
Identifiers: ClinVar variation 2572269 (VCV002572269.2), dbSNP rs1948319570, ClinGen allele CA383580485.

ClinVar aggregate classification (germline): Uncertain significance. Review status: criteria provided, multiple submitters, no conflicts (2 of 4 stars). 2 submissions from 2 submitters: Uncertain significance (2). Last evaluated 2025-05-26.

Conditions:
Inborn genetic diseases. Identifiers: MedGen C0950123, MeSH D030342.

Submissions (2):

Ambry Genetics
Classification: Uncertain significance for Inborn genetic diseases. Last evaluated: 2025-05-26. Review status: criteria provided, single submitter. Criteria: Ambry Variant Classification Scheme 2023. Collection method: clinical testing. Allele origin: germline.

Greenwood Genetic Center Diagnostic Laboratories, Greenwood Genetic Center
Classification: Uncertain significance. Last evaluated: 2023-06-13. Review status: criteria provided, single submitter. Criteria: ACMG Guidelines, 2015. Collection method: clinical testing. Allele origin: germline. Affected: yes.
Comment: PM2